The following is an entry in ClinVar:

ClinVar aggregate classification (germline): Pathogenic (1 of 4 stars; one submission).

Conditions:
Retinal dystrophy. Also called: Inherited retinal dystrophy. Identifiers: Orphanet 71862, MedGen C0854723, MeSH D058499, MONDO:0019118, HP:0000556.

Submission:

Ophthalmic Genetics Group, Institute of Molecular and Clinical Ophthalmology Basel
Classification: Pathogenic for Retinal dystrophy. Last evaluated: 2024-05-27. Review status: criteria provided, single submitter. Criteria: ACMG Guidelines, 2015. Collection method: research. Allele origin: germline. Affected: yes. Observed: 2 variant alleles.
Comment: This variant was classified as Pathogenic based on ACMG criteria: PM1_strong,PM2_sup, PM5_mod, PP1_strong and PP3_mod

Literature cited by the submitters: PubMed 40180963.

NM_000266.4(NDP):c.384C>G (p.Cys128Trp)

Genes: NDP (norrin cystine knot growth factor NDP; minus strand), NDP-AS1 (NDP antisense RNA 1; plus strand). Cytogenetic location: Xp11.3.
Variant type: single nucleotide variant.
Coding change: c.384C>G on transcript NM_000266.4 (MANE Select); coding-DNA position 384, C replaced by G.
Protein change: p.Cys128Trp; replaces cysteine 128 with tryptophan.
Molecular consequence: missense variant. On other transcripts: non-coding transcript variant (1).
Genome position (GRCh38, 1-based): chrX:43,949,817, G>C on the plus strand (C>G on the coding strand, the complement: NDP is on the minus strand). VCF-style: chrX-43949817-G-C. GRCh37 (hg19) VCF-style: chrX-43809063-G-C.
Other names: NC_000023.10:g.43809063G>C; NP_000257.1:p.(Cys128Trp); short protein forms C128W.
Identifiers: ClinVar variation 3381811 (VCV003381811.2).